The following is an entry in ClinVar:

NM_152383.5(DIS3L2):c.1203C>T (p.Asp401=)

Gene: DIS3L2 (DIS3 like 3'-5' exoribonuclease 2; plus strand). Cytogenetic location: 2q37.1.
Variant type: single nucleotide variant.
Coding change: c.1203C>T on transcript NM_152383.5 (MANE Select); coding-DNA position 1203, C replaced by T.
Protein change: p.Asp401=; no amino-acid change (aspartic acid 401 retained).
Molecular consequence: synonymous variant. On other transcripts: non-coding transcript variant (2).
Genome position (GRCh38, 1-based): chr2:232,210,404, C>T. VCF-style: chr2-232210404-C-T. GRCh37 (hg19) VCF-style: chr2-233075114-C-T.
Other names: p.Asp401=; c.1203C>T, p.Asp401= (NM_001257281.2).
Identifiers: ClinVar variation 416339 (VCV000416339.28), dbSNP rs370165461, ClinGen allele CA2164062.

ClinVar aggregate classification (germline): Conflicting classifications of pathogenicity. Review status: criteria provided, conflicting classifications (1 of 4 stars). 4 submissions from 4 submitters: Uncertain significance (1); Likely benign (3). Last evaluated 2026-01-16.

Conditions:
Perlman syndrome (PRLMNS). Identifiers: Orphanet 2849, MedGen C0796113, MONDO:0009965, OMIM 267000.

Allele frequency attached by ClinVar (database versions not stated): ExAC 0.00007; gnomAD exomes 0.00007 and 0.00011; TOPMed 0.00007; ESP Exome Variant Server 0.00008; gnomAD 0.00011.
gnomAD v4.1: 179 of 1,612,784 alleles (0.011%); highest among the groups gnomAD compares: South Asian, 0.013%; no homozygotes.

Submissions (4):

Labcorp Genetics (formerly Invitae), Labcorp
Classification: Likely benign for Perlman syndrome. Last evaluated: 2026-01-16. Review status: criteria provided, single submitter. Criteria: Invitae Variant Classification Sherloc (09022015). Collection method: clinical testing. Allele origin: germline.

Mayo Clinic Laboratories, Mayo Clinic
Classification: Likely benign. Last evaluated: 2025-01-26. Review status: criteria provided, single submitter. Criteria: ACMG Guidelines, 2015. Collection method: clinical testing. Allele origin: germline. Observed: 1 variant allele.
Comment: BP4, BP7

CeGaT Center for Human Genetics Tuebingen
Classification: Likely benign. Last evaluated: 2024-10-01. Review status: criteria provided, single submitter. Criteria: CeGaT Center For Human Genetics Tuebingen Variant Classification Criteria Version 2. Collection method: clinical testing. Allele origin: germline. Affected: yes. Observed: 1 variant allele.
Comment: DIS3L2: BP4, BP7

Sema4
Classification: Uncertain significance for Perlman syndrome. Last evaluated: 2021-08-09. Review status: criteria provided, single submitter. Criteria: Sema4 Curation Guidelines. Collection method: curation. Allele origin: germline.
Comment: The DIS3L2 c.1203C>T (p.D401=) variant has not been reported in the literature to our knowledge. It was observed in 13/128654 chromosomes, with no homozygotes, of the European (non Finnish) subpopulation in the large and broad cohorts of the Genome Aggregation Database (PMID: 32461654). The variant has been reported in ClinVar (Variation ID 416339). The nucleotide is conserved and splice site prediction tools suggest the variant does not disrupt normal splicing, however these predictions have not been confirmed. The evidence is insufficient to meet ACMG/AMP criteria for classifying the variant as benign or pathogenic. Thus, the clinical significance of this variant is currently uncertain.